The following is an entry in ClinVar:

ClinVar aggregate classification (germline): Pathogenic. Review status: criteria provided, multiple submitters, no conflicts (2 of 4 stars). 5 submissions from 5 submitters: Pathogenic (5). Last evaluated 2025-05-01.

Conditions:
Cardiovascular phenotype. Identifiers: MedGen CN230736.
MYBPC3-related disorder. Also called: MYBPC3-related disorders; MYBPC3-related condition; MYBPC3-related disease.
Hypertrophic cardiomyopathy. Also called: HYPERTROPHIC MYOCARDIOPATHY. Identifiers: Orphanet 217569, MedGen C0007194, MeSH D002312, MONDO:0005045, HP:0001639.

Submissions (5):

Labcorp Genetics (formerly Invitae), Labcorp
Classification: Pathogenic for Hypertrophic cardiomyopathy. Last evaluated: 2025-05-01. Review status: criteria provided, single submitter. Criteria: Invitae Variant Classification Sherloc (09022015). Collection method: clinical testing. Allele origin: germline.
Comment: This sequence change affects an acceptor splice site in intron 5 of the MYBPC3 gene. It is expected to disrupt RNA splicing. Variants that disrupt the donor or acceptor splice site typically lead to a loss of protein function (PMID: 16199547), and loss-of-function variants in MYBPC3 are known to be pathogenic (PMID: 19574547). This variant is not present in population databases (gnomAD no frequency). Disruption of this splice site has been observed in individuals with hypertrophic cardiomyopathy (PMID: 20624503, 27532257). ClinVar contains an entry for this variant (Variation ID: 42783). Algorithms developed to predict the effect of sequence changes on RNA splicing suggest that this variant may disrupt the consensus splice site. For these reasons, this variant has been classified as Pathogenic.

GeneDx
Classification: Pathogenic. Last evaluated: 2025-03-07. Review status: criteria provided, single submitter. Criteria: GeneDx Variant Classification Process June 2021. Collection method: clinical testing. Allele origin: germline. Affected: yes.
Comment: Reported in association with HCM (PMID: 20624503, 25611685, 27532257); Not observed at significant frequency in large population cohorts (gnomAD); Canonical splice site variant predicted to result in a null allele in a gene for which loss of function is a known mechanism of disease; This variant is associated with the following publications: (PMID: 25525159, 20624503, 25611685, 37652022, 35803546, 27532257)

Blueprint Genetics
Classification: Pathogenic for MYBPC3-related disorders. Last evaluated: 2023-06-16. Review status: criteria provided, single submitter. Criteria: ACMG Guidelines, 2015. Collection method: clinical testing. Allele origin: germline. Affected: yes. Observed: 1 variant allele.

Ambry Genetics
Classification: Pathogenic for Cardiovascular phenotype. Last evaluated: 2019-02-06. Review status: criteria provided, single submitter. Criteria: Ambry General Variant Classification Scheme_2022. Collection method: clinical testing. Allele origin: germline. Observed: 1 variant allele.
Comment: The c.655-1G>A intronic pathogenic mutation results from a G to A substitution one nucleotide upstream from coding exon 6 of the MYBPC3 gene. This alteration has been reported in hypertrophic cardiomyopathy (HCM) cohorts (Millat G et al. Eur J Med Genet. 2010;53(5):261-7; Waldm&uuml;ller S et al. Eur. J. Heart Fail. 2011 Nov;13(11):1185-92; Alfares AA et al. Genet. Med., 2015 Nov;17:880-8; Walsh R et al. Genet. Med., 2017 Feb;19:192-203). Another alteration at the same position, c.655-1G>C, has also been reported in association with HCM (Wang J et al. Eur J Heart Fail. 2014;16(9):950-7). In addition to the clinical data presented in the literature, alterations that disrupt the canonical splice site are expected to cause aberrant splicing, resulting in an abnormal protein or a transcript that is subject to nonsense-mediated mRNA decay. As such, this alteration is classified as a disease-causing mutation.

Laboratory for Molecular Medicine, Mass General Brigham Personalized Medicine
Classification: Pathogenic for Hypertrophic cardiomyopathy. Last evaluated: 2017-04-10. Review status: criteria provided, single submitter. Criteria: LMM Criteria. Collection method: clinical testing. Allele origin: germline. Inheritance: Autosomal dominant inheritance. Observed: 6 variant alleles.
Comment: The c.655-1G>A variant in MYBPC3 has been reported in 2 individuals with HCM (Mi llat 2010, LMM data) and was absent from large population studies. This variant occurs in the invariant region (+/- 1,2) of the splice consensus sequence and is predicted to cause altered splicing leading to an abnormal or absent protein. S plicing and other MYBPC3 variants resulting in a heterozygous loss of function a re strongly associated with HCM. In summary, this variant meets criteria to be c lassified as pathogenic for HCM in an autosomal dominant manner based upon absen ce from controls and the predicted impact to the protein.

Literature cited by the submitters: PubMed 16199547 (cited by Labcorp Genetics (formerly Invitae), Labcorp); PubMed 19574547 (cited by Labcorp Genetics (formerly Invitae), Labcorp); PubMed 20624503 (cited by 3 submitters); PubMed 27532257 (cited by Labcorp Genetics (formerly Invitae), Labcorp and Ambry Genetics); PubMed 25525159 (cited by Ambry Genetics); PubMed 25611685 (cited by Ambry Genetics).

NM_000256.3(MYBPC3):c.655-1G>A

Gene: MYBPC3 (myosin binding protein C3; minus strand). Cytogenetic location: 11p11.2.
Variant type: single nucleotide variant.
Coding change: c.655-1G>A on transcript NM_000256.3 (MANE Select); the canonical splice acceptor site of the intron before coding-DNA position 655, G replaced by A.
Molecular consequence: splice acceptor variant.
Genome position (GRCh38, 1-based): chr11:47,348,542, C>T on the plus strand (G>A on the coding strand, the complement: MYBPC3 is on the minus strand). VCF-style: chr11-47348542-C-T. GRCh37 (hg19) VCF-style: chr11-47370093-C-T.
Identifiers: ClinVar variation 42783 (VCV000042783.20), dbSNP rs397516067, ClinGen allele CA015661.
Genomic context (GRCh38, chr11:47,348,542, plus strand): 5'-GCGGTAGCTGCCAGTGAAGGCAGGCTGGGCATCGGTGATGTGCAGCTCGAACAGATAGAC[C>T]TGTGTGCATGGAGGGACGGGGCGTCAGGGGACACCAGGGGCCGGGAGACAAGGCTCCGCA-3'